The following is an entry in ClinVar:

NM_000081.4(LYST):c.3817_3821dup (p.Glu1275fs)

Gene: LYST (lysosomal trafficking regulator; minus strand). Cytogenetic location: 1q42.3.
Variant type: Duplication.
Coding change: c.3817_3821dup on transcript NM_000081.4 (MANE Select); coding-DNA positions 3817 to 3821, 5 bases duplicated (ATGCT; older notation c.3817_3821dupATGCT).
Protein change: p.Glu1275fs; shifts the reading frame from glutamic acid 1275.
Molecular consequence: frameshift variant.
Genome position (GRCh38, 1-based): chr1:235,800,989-235,800,993, AGCAT duplicated on the plus strand (ATGCT on the coding strand, the reverse complement: LYST is on the minus strand); duplicating any 5 consecutive bases within chr1:235,800,989-235,800,994 gives the same sequence; the c. name uses the placement nearest the transcript's 3' end. VCF-style (leftmost placement, unchanged base first): chr1-235800988-C-CAGCAT. GRCh37 (hg19) VCF-style: chr1-235964288-C-CAGCAT.
Other names: c.3817_3821dup, p.Glu1275fs (NM_001301365.1); short protein forms E1275fs.
Identifiers: ClinVar variation 2749699 (VCV002749699.3), dbSNP rs1315636646, ClinGen allele CA733158259.
Genomic context (GRCh38, chr1:235,800,988, plus strand): 5'-CTCAAATACATGGGCAAGCACATCAAGTTTGGCTTTACTAGCAGAAAGCAAATTTAATTC[C>CAGCAT]AGCATACAAATCTCAGGATAAATTATTTCCCCTTGAGTGAGGTTTTCGAGTAAGTCATTT-3'

ClinVar aggregate classification (germline): Pathogenic (1 of 4 stars; one submission).

Conditions:
Chédiak-Higashi syndrome (CHS). Also called: Chediak-Higashi Syndrome. Identifiers: Orphanet 167, MedGen C0007965, MONDO:0008963, OMIM 214500.

Submission:

Labcorp Genetics (formerly Invitae), Labcorp
Classification: Pathogenic for Chédiak-Higashi syndrome. Last evaluated: 2023-08-03. Review status: criteria provided, single submitter. Criteria: Invitae Variant Classification Sherloc (09022015). Collection method: clinical testing. Allele origin: germline.
Comment: This sequence change creates a premature translational stop signal (p.Glu1275Cysfs*4) in the LYST gene. It is expected to result in an absent or disrupted protein product. Loss-of-function variants in LYST are known to be pathogenic (PMID: 9215679, 11857544). This variant is not present in population databases (gnomAD no frequency). This variant has not been reported in the literature in individuals affected with LYST-related conditions. For these reasons, this variant has been classified as Pathogenic.

Literature cited by the submitters: PubMed 9215679; PubMed 11857544.